The following is an entry in ClinVar:

NM_001376.5(DYNC1H1):c.8898G>C (p.Lys2966Asn)

Genes: DYNC1H1 (dynein cytoplasmic 1 heavy chain 1; plus strand), LOC126862060 (BRD4-independent group 4 enhancer GRCh37_chr14:102493659-102494858; plus strand). Cytogenetic location: 14q32.31.
Variant type: single nucleotide variant.
Coding change: c.8898G>C on transcript NM_001376.5 (MANE Select); coding-DNA position 8898, G replaced by C.
Protein change: p.Lys2966Asn; replaces lysine 2966 with asparagine.
Molecular consequence: missense variant.
Genome position (GRCh38, 1-based): chr14:102,027,394, G>C. VCF-style: chr14-102027394-G-C. GRCh37 (hg19) VCF-style: chr14-102493731-G-C.
Other names: short protein forms K2966N.
Identifiers: ClinVar variation 3682432 (VCV003682432.3).

ClinVar aggregate classification (germline): Uncertain significance. Review status: criteria provided, multiple submitters, no conflicts (2 of 4 stars). 2 submissions from 2 submitters: Uncertain significance (2). Last evaluated 2025-01-14.

Conditions:
Charcot-Marie-Tooth disease axonal type 2O. Also called: CHARCOT-MARIE-TOOTH NEUROPATHY, AXONAL, TYPE 2O; CHARCOT-MARIE-TOOTH DISEASE, AXONAL, AUTOSOMAL DOMINANT, TYPE 2O; Charcot-Marie-Tooth Neuropathy Type 2O; Charcot-Marie-Tooth disease, axonal, type 20. Identifiers: Orphanet 284232, MedGen C3280220, MONDO:0013644, OMIM 614228.

Submissions (2):

GeneDx
Classification: Uncertain significance. Last evaluated: 2025-01-14. Review status: criteria provided, single submitter. Criteria: GeneDx Variant Classification Process June 2021. Collection method: clinical testing. Allele origin: germline. Affected: yes.
Comment: Not observed at significant frequency in large population cohorts (gnomAD); In silico analysis supports that this missense variant has a deleterious effect on protein structure/function; Has not been previously published as pathogenic or benign to our knowledge; This variant is associated with the following publications: (PMID: 25512093, 25609763, 26100331)

Labcorp Genetics (formerly Invitae), Labcorp
Classification: Uncertain significance for Charcot-Marie-Tooth disease axonal type 2O. Last evaluated: 2024-05-06. Review status: criteria provided, single submitter. Criteria: Invitae Variant Classification Sherloc (09022015). Collection method: clinical testing. Allele origin: germline.
Comment: This sequence change replaces lysine, which is basic and polar, with asparagine, which is neutral and polar, at codon 2966 of the DYNC1H1 protein (p.Lys2966Asn). This variant is not present in population databases (gnomAD no frequency). This variant has not been reported in the literature in individuals affected with DYNC1H1-related conditions. Advanced modeling of protein sequence and biophysical properties (such as structural, functional, and spatial information, amino acid conservation, physicochemical variation, residue mobility, and thermodynamic stability) performed at Invitae indicates that this missense variant is not expected to disrupt DYNC1H1 protein function with a negative predictive value of 95%. In summary, the available evidence is currently insufficient to determine the role of this variant in disease. Therefore, it has been classified as a Variant of Uncertain Significance.